The following is an entry in ClinVar:

NM_000257.4(MYH7):c.2044+2T>C

Gene: MYH7 (myosin heavy chain 7; minus strand). Cytogenetic location: 14q11.2.
Variant type: single nucleotide variant.
Coding change: c.2044+2T>C on transcript NM_000257.4 (MANE Select); the canonical splice donor site of the intron after coding-DNA position 2044, T replaced by C.
Molecular consequence: splice donor variant.
Genome position (GRCh38, 1-based): chr14:23,426,775, A>G on the plus strand (T>C on the coding strand, the complement: MYH7 is on the minus strand). VCF-style: chr14-23426775-A-G. GRCh37 (hg19) VCF-style: chr14-23895984-A-G.
Other names: c.2044+2T>C (NM_001407004.1).
Identifiers: ClinVar variation 3611435 (VCV003611435.2).
Genomic context (GRCh38, chr14:23,426,775, plus strand): 5'-GAGGTCCTGTTCCCAGGGCGGTGTATGCCCAGCAGTGGGTTGGCCTGAGTTTGTGGCCTC[A>G]CCTGGAGACTTTGTCTCATTAGGGATGATACAACGTACAAAGTGGGGATGGGTGGAGCGC-3'

ClinVar aggregate classification (germline): Uncertain significance (1 of 4 stars; one submission).

Conditions:
Hypertrophic cardiomyopathy. Also called: HYPERTROPHIC MYOCARDIOPATHY. Identifiers: Orphanet 217569, MedGen C0007194, MeSH D002312, MONDO:0005045, HP:0001639.

Submission:

Labcorp Genetics (formerly Invitae), Labcorp
Classification: Uncertain significance for Hypertrophic cardiomyopathy. Last evaluated: 2024-08-15. Review status: criteria provided, single submitter. Criteria: Invitae Variant Classification Sherloc (09022015). Collection method: clinical testing. Allele origin: germline.
Comment: This sequence change affects a donor splice site in intron 18 of the MYH7 gene. It is expected to disrupt RNA splicing. Variants that disrupt the donor or acceptor splice site typically lead to a loss of protein function (PMID: 16199547), however the current clinical and genetic evidence is not sufficient to establish whether loss-of-function variants in MYH7 cause disease. This variant is not present in population databases (gnomAD no frequency). This variant has not been reported in the literature in individuals affected with MYH7-related conditions. Algorithms developed to predict the effect of sequence changes on RNA splicing suggest that this variant may disrupt the consensus splice site. In summary, the available evidence is currently insufficient to determine the role of this variant in disease. Therefore, it has been classified as a Variant of Uncertain Significance.

Literature cited by the submitters: PubMed 16199547.